The following is an entry in ClinVar:

ClinVar aggregate classification (germline): Uncertain significance. Review status: criteria provided, multiple submitters, no conflicts (2 of 4 stars). 3 submissions from 3 submitters: Uncertain significance (3). Last evaluated 2023-01-24.

Conditions:
Inborn genetic diseases. Identifiers: MedGen C0950123, MeSH D030342.
Epidermolysis bullosa simplex 3, localized or generalized intermediate, with BP230 deficiency (EBS3). Also called: Epidermolysis bullosa simplex, autosomal recessive 2; Epidermolysis bullosa simplex due to BP230 deficiency. Identifiers: Orphanet 412181, MedGen C3809470, MONDO:0014180, OMIM 615425.
Hereditary sensory and autonomic neuropathy type 6. Also called: Neuropathy, hereditary sensory and autonomic, type VI; HSAN VI. Identifiers: Orphanet 314381, MedGen C3539003, MONDO:0013839, OMIM 614653.

Allele frequency attached by ClinVar (database versions not stated): gnomAD exomes 0.00006; ExAC 0.00007; gnomAD 0.00008 and 0.00009; TOPMed 0.00011; ESP Exome Variant Server 0.00031.

Submissions (3):

Ambry Genetics
Classification: Uncertain significance for Inborn genetic diseases. Last evaluated: 2023-01-24. Review status: criteria provided, single submitter. Criteria: Ambry Variant Classification Scheme 2023. Collection method: clinical testing. Allele origin: germline.

Labcorp Genetics (formerly Invitae), Labcorp
Classification: Uncertain significance for Epidermolysis bullosa simplex 3, localized or generalized intermediate, with BP230 deficiency; Hereditary sensory and autonomic neuropathy type 6. Last evaluated: 2022-06-27. Review status: criteria provided, single submitter. Criteria: Invitae Variant Classification Sherloc (09022015). Collection method: clinical testing. Allele origin: germline.
Comment: This sequence change replaces methionine, which is neutral and non-polar, with valine, which is neutral and non-polar, at codon 837 of the DST protein (p.Met837Val). This variant is present in population databases (rs138508306, gnomAD 0.01%). This variant has not been reported in the literature in individuals affected with DST-related conditions. ClinVar contains an entry for this variant (Variation ID: 425382). Algorithms developed to predict the effect of missense changes on protein structure and function are either unavailable or do not agree on the potential impact of this missense change (SIFT: "Deleterious"; PolyPhen-2: "Probably Damaging"; Align-GVGD: "Class C15"). In summary, the available evidence is currently insufficient to determine the role of this variant in disease. Therefore, it has been classified as a Variant of Uncertain Significance.

CeGaT Center for Human Genetics Tuebingen
Classification: Uncertain significance. Last evaluated: 2018-04-01. Review status: criteria provided, single submitter. Criteria: CeGaT Center For Human Genetics Tuebingen Variant Classification Criteria Version 2. Collection method: clinical testing. Allele origin: germline. Affected: yes. Observed: 1 variant allele.

NM_001374736.1(DST):c.4120A>G (p.Met1374Val)

Gene: DST (dystonin; minus strand). Cytogenetic location: 6p12.1.
Variant type: single nucleotide variant.
Coding change: c.4120A>G on transcript NM_001374736.1 (MANE Select); coding-DNA position 4120, A replaced by G.
Protein change: p.Met1374Val; replaces methionine 1374 with valine.
Molecular consequence: missense variant.
Genome position (GRCh38, 1-based): chr6:56,631,233, T>C on the plus strand (A>G on the coding strand, the complement: DST is on the minus strand). VCF-style: chr6-56631233-T-C. GRCh37 (hg19) VCF-style: chr6-56496031-T-C.
Other names: c.4021A>G, p.Met1341Val (NM_001144769.5); c.3607A>G, p.Met1203Val (NM_001144770.2); c.4120A>G, p.Met1374Val (NM_001374722.1); c.3487A>G, p.Met1163Val (NM_001374729.1, NM_001374730.1, NM_001386100.1 and 1 more transcripts); c.4147A>G, p.Met1383Val (NM_001374734.1); c.2509A>G, p.Met837Val (NM_001723.7, NM_015548.5); short protein forms M837V, M1203V, M1163V, M1341V, M1374V, M1383V.
Identifiers: ClinVar variation 425382 (VCV000425382.50), dbSNP rs138508306, ClinGen allele CA3870976.